The following is an entry in ClinVar:

NM_001128178.3(NPHP1):c.1234A>G (p.Ile412Val)

Gene: NPHP1 (nephrocystin 1; minus strand). Cytogenetic location: 2q13.
Variant type: single nucleotide variant.
Coding change: c.1234A>G on transcript NM_001128178.3 (MANE Select); coding-DNA position 1234, A replaced by G.
Protein change: p.Ile412Val; replaces isoleucine 412 with valine.
Molecular consequence: missense variant.
Genome position (GRCh38, 1-based): chr2:110,147,951, T>C on the plus strand (A>G on the coding strand, the complement: NPHP1 is on the minus strand). VCF-style: chr2-110147951-T-C. GRCh37 (hg19) VCF-style: chr2-110905528-T-C.
Other names: c.1402A>G (NM_000272.3); c.1402A>G, p.Ile468Val (NM_000272.5); c.1045A>G, p.Ile349Val (NM_001128179.3); c.1231A>G, p.Ile411Val (NM_001374256.1); c.1234A>G, p.Ile412Val (NM_001374257.1); c.1399A>G, p.Ile467Val (NM_207181.4); short protein forms I412V, I467V, I349V, I468V, I411V.
Identifiers: ClinVar variation 1037595 (VCV001037595.5), dbSNP rs958211666, ClinGen allele CA53537832.

ClinVar aggregate classification (germline): Uncertain significance. Review status: criteria provided, multiple submitters, no conflicts (2 of 4 stars). 3 submissions from 3 submitters: Uncertain significance (3). Last evaluated 2025-04-17.

Conditions:
NPHP1-related disorder. Also called: NPHP1-related disorders; NPHP1-related condition.
Nephronophthisis. Also called: Juvenile Nephronophthisis. Identifiers: Orphanet 655, MedGen C0687120, MONDO:0019005, HP:0000090.
Inborn genetic diseases. Identifiers: MedGen C0950123, MeSH D030342.

Allele frequency attached by ClinVar (database versions not stated): gnomAD exomes below 0.00001 and 0.00002; TOPMed below 0.00001; gnomAD 0.00006.
gnomAD v4.1: 33 of 1,607,910 alleles (0.0021%); highest among the groups gnomAD compares: Non-Finnish European, 0.0027%; no homozygotes.

Submissions (3):

PreventionGenetics, part of Exact Sciences
Classification: Uncertain significance for NPHP1-related condition. Last evaluated: 2025-04-17. Review status: criteria provided, single submitter. Criteria: ACMG Guidelines, 2015. Collection method: clinical testing. Allele origin: germline.
Comment: The NPHP1 c.1402A>G variant is predicted to result in the amino acid substitution p.Ile468Val. To our knowledge, this variant has not been reported in the literature. This variant is reported in 0.0062% of alleles in individuals of European (Non-Finnish) descent in gnomAD. At this time, the clinical significance of this variant is uncertain due to the absence of conclusive functional and genetic evidence.

Ambry Genetics
Classification: Uncertain significance for Inborn genetic diseases. Last evaluated: 2021-12-03. Review status: criteria provided, single submitter. Criteria: Ambry Variant Classification Scheme 2023. Collection method: clinical testing. Allele origin: germline.

Labcorp Genetics (formerly Invitae), Labcorp
Classification: Uncertain significance for Nephronophthisis. Last evaluated: 2021-12-02. Review status: criteria provided, single submitter. Criteria: Invitae Variant Classification Sherloc (09022015). Collection method: clinical testing. Allele origin: germline.
Comment: This sequence change replaces isoleucine, which is neutral and non-polar, with valine, which is neutral and non-polar, at codon 468 of the NPHP1 protein (p.Ile468Val). This variant is present in population databases (no rsID available, gnomAD 0.006%). This variant has not been reported in the literature in individuals affected with NPHP1-related conditions. ClinVar contains an entry for this variant (Variation ID: 1037595). Algorithms developed to predict the effect of missense changes on protein structure and function output the following: SIFT: "Tolerated"; PolyPhen-2: "Benign"; Align-GVGD: "Class C15". The valine amino acid residue is found in multiple mammalian species, which suggests that this missense change does not adversely affect protein function. In summary, the available evidence is currently insufficient to determine the role of this variant in disease. Therefore, it has been classified as a Variant of Uncertain Significance.